The following is an entry in ClinVar:

ClinVar aggregate classification (germline): Uncertain significance (1 of 4 stars; one submission).

Allele frequency attached by ClinVar (database versions not stated): gnomAD exomes below 0.00001; gnomAD 0.00001; ExAC 0.00002; TOPMed 0.00003; ESP Exome Variant Server 0.00008.
gnomAD v4.1: 5 of 1,614,036 alleles (0.00031%); highest among the groups gnomAD compares: East Asian, 0.0089%; no homozygotes.

Submission:

Labcorp Genetics (formerly Invitae), Labcorp
Classification: Uncertain significance. Last evaluated: 2022-02-18. Review status: criteria provided, single submitter. Criteria: Invitae Variant Classification Sherloc (09022015). Collection method: clinical testing. Allele origin: germline.
Comment: This sequence change replaces asparagine, which is neutral and polar, with serine, which is neutral and polar, at codon 32 of the CCDC88A protein (p.Asn32Ser). This variant is present in population databases (rs140301441, gnomAD 0.02%). This variant has not been reported in the literature in individuals affected with CCDC88A-related conditions. Algorithms developed to predict the effect of missense changes on protein structure and function output the following: SIFT: "Tolerated"; PolyPhen-2: "Benign"; Align-GVGD: "Class C0". The serine amino acid residue is found in multiple mammalian species, which suggests that this missense change does not adversely affect protein function. In summary, the available evidence is currently insufficient to determine the role of this variant in disease. Therefore, it has been classified as a Variant of Uncertain Significance.

NM_001365480.1(CCDC88A):c.95A>G (p.Asn32Ser)

Gene: CCDC88A (coiled-coil domain containing 88A; minus strand). Cytogenetic location: 2p16.1.
Variant type: single nucleotide variant.
Coding change: c.95A>G on transcript NM_001365480.1 (MANE Select); coding-DNA position 95, A replaced by G.
Protein change: p.Asn32Ser; replaces asparagine 32 with serine.
Molecular consequence: missense variant.
Genome position (GRCh38, 1-based): chr2:55,418,885, T>C on the plus strand (A>G on the coding strand, the complement: CCDC88A is on the minus strand). VCF-style: chr2-55418885-T-C. GRCh37 (hg19) VCF-style: chr2-55646021-T-C.
Other names: c.95A>G, p.Asn32Ser (NM_001135597.2, NM_001254943.2, NM_018084.5); short protein forms N32S.
Identifiers: ClinVar variation 1898287 (VCV001898287.2), dbSNP rs140301441, ClinGen allele CA1666498.